The following is an entry in ClinVar:

ClinVar aggregate classification (germline): Conflicting classifications of pathogenicity. Review status: criteria provided, conflicting classifications (1 of 4 stars). 7 submissions from 7 submitters: Uncertain significance (4); Likely benign (2). 1 of the submissions does not count toward it. Last evaluated 2026-09-11.

Conditions:
Inborn genetic diseases. Identifiers: MedGen C0950123, MeSH D030342.
QARS1-related disorder. Also called: QARS1-related condition.
Diffuse cerebral and cerebellar atrophy - intractable seizures - progressive microcephaly syndrome. Also called: Microcephaly, progressive, with seizures and cerebral and cerebellar atrophy. Identifiers: Orphanet 404437, MedGen C4014239, MONDO:0014335, OMIM 615760.

Allele frequency attached by ClinVar (database versions not stated): gnomAD exomes 0.00006 and 0.00025; 1000 Genomes Project 30x 0.00031; ExAC 0.00031; 1000 Genomes Project 0.00040; gnomAD 0.00099 and 0.00108; TOPMed 0.00102; ESP Exome Variant Server 0.00123.
gnomAD v4.1: 247 of 1,614,152 alleles (0.015%); highest among the groups gnomAD compares: African/African-American, 0.3%; no homozygotes.

Submissions (7):

GeneDx
Classification: Uncertain significance. Last evaluated: 2026-09-11. Review status: criteria provided, single submitter. Criteria: GeneDx Variant Classification Process June 2021. Collection method: clinical testing. Allele origin: germline.
Comment: In silico analysis supports that this missense variant has a deleterious effect on protein structure/function; Has not been previously published as pathogenic or benign to our knowledge; This variant is associated with the following publications: (PMID: 25471517)

Labcorp Genetics (formerly Invitae), Labcorp
Classification: Likely benign for Diffuse cerebral and cerebellar atrophy - intractable seizures - progressive microcephaly syndrome. Last evaluated: 2026-01-26. Review status: criteria provided, single submitter. Criteria: Invitae Variant Classification Sherloc (09022015). Collection method: clinical testing. Allele origin: germline.

ARUP Laboratories, Molecular Genetics and Genomics, ARUP Laboratories
Classification: Uncertain significance for Diffuse cerebral and cerebellar atrophy - intractable seizures - progressive microcephaly syndrome. Last evaluated: 2024-10-23. Review status: criteria provided, single submitter. Criteria: ARUP Molecular Germline Variant Investigation Process 2024. Collection method: clinical testing. Allele origin: germline.
Comment: The QARS1 c.2123C>T;p.Pro708Leu variant (rs142327602), to our knowledge, is not reported in the medical literature but is reported in ClinVar (Variation ID: 477838). This variant is found predominantly in the African/African-American population with an allele frequency of 0.33% (84/24958 alleles) in the Genome Aggregation Database (v2.1.1). Computational analyses are uncertain whether this variant is neutral or deleterious (REVEL: 0537). Due to limited information, the clinical significance of this variant is uncertain at this time.

Mayo Clinic Laboratories, Mayo Clinic
Classification: Uncertain significance. Last evaluated: 2023-05-10. Review status: criteria provided, single submitter. Criteria: ACMG Guidelines, 2015. Collection method: clinical testing. Allele origin: germline. Observed: 2 variant alleles.
Comment: BS1

Center for Genomics, Ann and Robert H. Lurie Children's Hospital of Chicago
Classification: Uncertain significance. Last evaluated: 2022-10-28. Review status: criteria provided, single submitter. Criteria: ACMG Guidelines, 2015. Collection method: clinical testing. Allele origin: germline.
Comment: This variant has not been reported in the literature but is present in the Genome Aggregation Database (Highest reported MAF 0.3% (142/41414). This variant is present in ClinVar, with multiple labs classifying this variant as Likely Benign (Variation ID:477838). Evolutionary conservation and computational predictive tools suggest that this variant may impact the protein. In summary, data on this variant is insufficient for disease classification. Therefore, the clinical significance of this variant is uncertain.

Ambry Genetics
Classification: Likely benign for Inborn genetic diseases. Last evaluated: 2021-08-30. Review status: criteria provided, single submitter. Criteria: Ambry Variant Classification Scheme 2023. Collection method: clinical testing. Allele origin: germline.

PreventionGenetics, part of Exact Sciences
Classification: Likely benign for QARS1-related condition. Last evaluated: 2024-04-16. Review status: no assertion criteria provided. Collection method: clinical testing. Allele origin: germline. Not counted in ClinVar's aggregate classification.
Comment: This variant is classified as likely benign based on ACMG/AMP sequence variant interpretation guidelines (Richards et al. 2015 PMID: 25741868, with internal and published modifications).

NM_005051.3(QARS1):c.2123C>T (p.Pro708Leu)

Gene: QARS1 (glutaminyl-tRNA synthetase 1; minus strand). Cytogenetic location: 3p21.31.
Variant type: single nucleotide variant.
Coding change: c.2123C>T on transcript NM_005051.3 (MANE Select); coding-DNA position 2123, C replaced by T.
Protein change: p.Pro708Leu; replaces proline 708 with leucine.
Molecular consequence: missense variant. On other transcripts: non-coding transcript variant (1).
Genome position (GRCh38, 1-based): chr3:49,098,220, G>A on the plus strand (C>T on the coding strand, the complement: QARS1 is on the minus strand). VCF-style: chr3-49098220-G-A. GRCh37 (hg19) VCF-style: chr3-49135653-G-A.
Other names: p.Pro708Leu; c.2090C>T, p.Pro697Leu (NM_001272073.2); c.2123C>T (NM_005051.1); short protein forms P708L, P697L.
Identifiers: ClinVar variation 477838 (VCV000477838.27), dbSNP rs142327602, ClinGen allele CA2391512.